The following is an entry in ClinVar:

ClinVar aggregate classification (germline): Uncertain significance (1 of 4 stars; one submission).

Submission:

CeGaT Center for Human Genetics Tuebingen
Classification: Uncertain significance. Last evaluated: 2026-06-01. Review status: criteria provided, single submitter. Criteria: CeGaT Center For Human Genetics Tuebingen Variant Classification Criteria Version 2. Collection method: clinical testing. Allele origin: germline. Affected: yes. Observed: 1 variant allele.
Comment: TRIO: PM2

NM_007118.4(TRIO):c.3632A>G (p.His1211Arg)

Gene: TRIO (trio Rho guanine nucleotide exchange factor; plus strand). Cytogenetic location: 5p15.2.
Variant type: single nucleotide variant.
Coding change: c.3632A>G on transcript NM_007118.4 (MANE Select); coding-DNA position 3632, A replaced by G.
Protein change: p.His1211Arg; replaces histidine 1211 with arginine.
Molecular consequence: missense variant. On other transcripts: non-coding transcript variant (1).
Genome position (GRCh38, 1-based): chr5:14,387,499, A>G. VCF-style: chr5-14387499-A-G. GRCh37 (hg19) VCF-style: chr5-14387608-A-G.
Other names: short protein forms H1211R.
Identifiers: ClinVar variation 4875328 (VCV004875328.2).